The following is an entry in ClinVar:

NM_000132.4(F8):c.5063C>T (p.Ser1688Leu)

Gene: F8 (coagulation factor VIII; minus strand). Cytogenetic location: Xq28.
Variant type: single nucleotide variant.
Coding change: c.5063C>T on transcript NM_000132.4 (MANE Select); coding-DNA position 5063, C replaced by T.
Protein change: p.Ser1688Leu; replaces serine 1688 with leucine.
Molecular consequence: missense variant.
Genome position (GRCh38, 1-based): chrX:154,928,727, G>A on the plus strand (C>T on the coding strand, the complement: F8 is on the minus strand). VCF-style: chrX-154928727-G-A. GRCh37 (hg19) VCF-style: chrX-154157002-G-A.
Other names: NM_000132.4(F8):c.5063C>T; p.Ser1688Leu; short protein forms S1688L.
Identifiers: ClinVar variation 914832 (VCV000914832.31), dbSNP rs782235155, ClinGen allele CA10568042.
Genomic context (GRCh38, chrX:154,928,727, plus strand): 5'-CGGGGGCTCTGATTTTCATCCTCATCATAAATGTCAAAATCTTCCTTCTTCATTTCAACT[G>A]ATATGGTATCATCATAGTCAATTTCCTCTTGATCTGACTGAAGAGTAGTACGAGTTATTT-3'
Protein context (NP_000123.1, residues 1678-1698): QEEIDYDDTI[Ser1688Leu]VEMKKEDFDI

ClinVar aggregate classification (germline): Likely benign. Review status: reviewed by expert panel (3 of 4 stars). 3 submissions from 3 submitters: Likely benign (1). 2 of the submissions do not count toward it. Last evaluated 2025-05-02.

Conditions:
Hereditary factor VIII deficiency disease (HEMA). Also called: AUTOSOMAL HEMOPHILIA A; HEMOPHILIA, CLASSIC; Hemophilia A; Hemophilia A, congenital; HEM A; Factor 8 deficiency, congenital. Identifiers: Orphanet 98878, MedGen C0019069, MONDO:0010602, OMIM 306700.

Allele frequency attached by ClinVar (database versions not stated): ExAC 0.00001; gnomAD 0.00001; gnomAD exomes 0.00001; TOPMed 0.00001.
gnomAD v4.1: 9 of 1,208,979 alleles (0.00074%); highest among the groups gnomAD compares: Middle Eastern, 0.023%; no homozygotes.

Submissions (3):

ClinGen Coagulation Factor Deficiency Variant Curation Expert Panel, Clingen
Classification: Likely benign for Hereditary factor VIII deficiency disease. Last evaluated: 2025-05-02. Review status: reviewed by expert panel. Criteria: ClinGen CoagFactor ACMG Specifications F8 V1.0.0. Collection method: curation. Allele origin: germline. Inheritance: X-linked inheritance.
Comment: The NM_000132.4(F8):c.5063C>T variant in F8 is a missense variant predicted to cause substitution of Serine by Leucine at amino acid 1688 (p.Ser1688Leu). This variant has been reported in 1 proband with moderate Hemophilia A. However, PS4 cannot be applied because VWD 2N was not ruled out (PMID: 18387975, PMID: 18217193). The variant is absent in males in gnomAD v2.1.1 (PM2_supporting). One-stage clotting assay and antigen specific ELISAs in CHO Chinese Hamster cell line and HEK293 human cells showed normal FVIII activity and antigen levels indicating that this variant does not impact protein function (PMID: 21645226, PMID: 24108539)(BS3). The computational predictor REVEL gives a score of 0.616, which is above the threshold of 0.6, evidence that correlates with impact to F8 function (PP3). Due to conflicting evidence, this variant is classified as a variant likely benign for Hemophilia A based on the ACMG/AMP criteria applied, as specified by the ClinGen Coagulation Factor Deficiency Variant Curation Expert Panel for F8 (version 1.0.0, released 10/5/2023): BS3, PM2_Supporting, PP3.

CeGaT Center for Human Genetics Tuebingen
Classification: Likely pathogenic. Last evaluated: 2024-06-01. Review status: criteria provided, single submitter. Criteria: CeGaT Center For Human Genetics Tuebingen Variant Classification Criteria Version 2. Collection method: clinical testing. Allele origin: germline. Affected: yes. Observed: 2 variant alleles. Not counted in ClinVar's aggregate classification.
Comment: F8: PM2, PP4:Moderate, PS3:Moderate, PS4:Supporting

Illumina Laboratory Services, Illumina
Classification: Uncertain significance for Hereditary factor VIII deficiency disease. Last evaluated: 2018-02-13. Review status: criteria provided, single submitter. Criteria: ICSL Variant Classification Criteria 13 December 2019. Collection method: clinical testing. Allele origin: germline. Not counted in ClinVar's aggregate classification.
Comment: This variant was observed as part of a predisposition screen in an ostensibly healthy population. A literature search was performed for the gene, cDNA change, and amino acid change (where applicable). Publications were found based on this search. However, the evidence from the literature, in combination with allele frequency data from public databases where available, was not sufficient to rule this variant in or out of causing disease. Therefore, this variant is classified as a variant of unknown significance.

Literature cited by the submitters: PubMed 24108539 (cited by ClinGen Coagulation Factor Deficiency Variant Curation Expert Panel, Clingen and Illumina Laboratory Services, Illumina); PubMed 21645226 (cited by ClinGen Coagulation Factor Deficiency Variant Curation Expert Panel, Clingen and Illumina Laboratory Services, Illumina); PubMed 18217193 (cited by Illumina Laboratory Services, Illumina).